The following is an entry in ClinVar:

ClinVar aggregate classification (germline): Uncertain significance. Review status: criteria provided, multiple submitters, no conflicts (2 of 4 stars). 2 submissions from 2 submitters: Uncertain significance (2). Last evaluated 2025-11-07.

Conditions:
Hereditary cancer-predisposing syndrome. Also called: Tumor predisposition; Hereditary Cancer Syndrome; Hereditary neoplastic syndrome; Neoplastic Syndromes, Hereditary. Identifiers: Orphanet 140162, MedGen C0027672, MeSH D009386, MONDO:0015356.
POLD1-related polyposis and colorectal cancer syndrome (CRCS10). Also called: Colorectal cancer 10; COLORECTAL CANCER, SUSCEPTIBILITY TO, ON CHROMOSOME 19q; Colorectal cancer, susceptibility to, 10. Identifiers: Orphanet 220460, MedGen C2675481, MONDO:0012953, OMIM 612591.

gnomAD v4.1: 1 of 1,535,160 alleles (0.000065%); highest among the groups gnomAD compares: East Asian, 0.0024%; no homozygotes.

Submissions (2):

Ambry Genetics
Classification: Uncertain significance for Hereditary cancer-predisposing syndrome. Last evaluated: 2025-11-07. Review status: criteria provided, single submitter. Criteria: Ambry Variant Classification Scheme 2023. Collection method: clinical testing. Allele origin: germline.
Comment: The c.2718-5C>G intronic variant results from a C to G substitution 5 nucleotides upstream from coding exon 21 in the POLD1 gene. This nucleotide position is not well conserved in available vertebrate species. In silico splice site analysis predicts that this alteration will weaken the native splice acceptor site and will result in the creation or strengthening of a novel splice acceptor site. Based on the available evidence, the clinical significance of this variant remains unclear.

Labcorp Genetics (formerly Invitae), Labcorp
Classification: Uncertain significance for POLD1-related polyposis and colorectal cancer syndrome. Last evaluated: 2022-06-13. Review status: criteria provided, single submitter. Criteria: Invitae Variant Classification Sherloc (09022015). Collection method: clinical testing. Allele origin: germline.
Comment: In summary, the available evidence is currently insufficient to determine the role of this variant in disease. Therefore, it has been classified as a Variant of Uncertain Significance. Algorithms developed to predict the effect of sequence changes on RNA splicing suggest that this variant may disrupt the consensus splice site. This sequence change falls in intron 21 of the POLD1 gene. It does not directly change the encoded amino acid sequence of the POLD1 protein. This variant is not present in population databases (gnomAD no frequency). This variant has not been reported in the literature in individuals affected with POLD1-related conditions. ClinVar contains an entry for this variant (Variation ID: 1026093).

NM_002691.4(POLD1):c.2718-5C>G

Gene: POLD1 (DNA polymerase delta 1, catalytic subunit; plus strand). Cytogenetic location: 19q13.33.
Variant type: single nucleotide variant.
Coding change: c.2718-5C>G on transcript NM_002691.4 (MANE Select); 5 bases into the intron before coding-DNA position 2718, C replaced by G.
Molecular consequence: intron variant.
Genome position (GRCh38, 1-based): chr19:50,415,719, C>G. VCF-style: chr19-50415719-C-G. GRCh37 (hg19) VCF-style: chr19-50918976-C-G.
Other names: c.2718-5C>G (NM_001256849.1, NM_002691.2); c.2796-5C>G (NM_001308632.1).
Identifiers: ClinVar variation 1026093 (VCV001026093.9), dbSNP rs368965066, ClinGen allele CA2340890046.